The following is an entry in ClinVar:

NM_018668.5(VPS33B):c.1754G>A (p.Arg585Gln)

Gene: VPS33B (VPS33B late endosome and lysosome associated; minus strand). Cytogenetic location: 15q26.1.
Variant type: single nucleotide variant.
Coding change: c.1754G>A on transcript NM_018668.5 (MANE Select); coding-DNA position 1754, G replaced by A.
Protein change: p.Arg585Gln; replaces arginine 585 with glutamine.
Molecular consequence: missense variant.
Genome position (GRCh38, 1-based): chr15:90,999,697, C>T on the plus strand (G>A on the coding strand, the complement: VPS33B is on the minus strand). VCF-style: chr15-90999697-C-T. GRCh37 (hg19) VCF-style: chr15-91542927-C-T.
Other names: c.1673G>A, p.Arg558Gln (NM_001289148.1); c.1481G>A, p.Arg494Gln (NM_001289149.1); short protein forms R585Q, R494Q, R558Q.
Identifiers: ClinVar variation 2599548 (VCV002599548.7), dbSNP rs147814686, ClinGen allele CA7744524.

ClinVar aggregate classification (germline): Uncertain significance. Review status: criteria provided, multiple submitters, no conflicts (2 of 4 stars). 4 submissions from 4 submitters: Uncertain significance (4). Last evaluated 2025-08-23.

Conditions:
VPS33B-related disorder. Also called: VPS33B-related condition.
Arthrogryposis, renal dysfunction, and cholestasis 1 (ARCS1). Identifiers: Orphanet 2697, MedGen C1859722, MONDO:0008822, OMIM 208085.
Keratoderma-ichthyosis-deafness syndrome, autosomal recessive (KDIDAR). Identifiers: MedGen C5774200, MONDO:0859278, OMIM 620009.
Cholestasis, progressive familial intrahepatic, 12 (PFIC12). Also called: CHOLESTASIS, ISOLATED LOW-GGT. Identifiers: MedGen C5774311, MONDO:0031040, OMIM 620010.
Inborn genetic diseases. Identifiers: MedGen C0950123, MeSH D030342.

Allele frequency attached by ClinVar (database versions not stated): TOPMed 0.00002; gnomAD 0.00003; ExAC 0.00006; ESP Exome Variant Server 0.00008; gnomAD exomes 0.00008.

Submissions (4):

Ambry Genetics
Classification: Uncertain significance for Inborn genetic diseases. Last evaluated: 2025-08-23. Review status: criteria provided, single submitter. Criteria: Ambry Variant Classification Scheme 2023. Collection method: clinical testing. Allele origin: germline.

PreventionGenetics, part of Exact Sciences
Classification: Uncertain significance for VPS33B-related condition. Last evaluated: 2025-05-15. Review status: criteria provided, single submitter. Criteria: ACMG Guidelines, 2015. Collection method: clinical testing. Allele origin: germline.
Comment: The VPS33B c.1754G>A variant is predicted to result in the amino acid substitution p.Arg585Gln. To our knowledge, this variant has not been reported in the literature. This variant is reported in 0.052% of alleles in individuals of South Asian descent in gnomAD. Although we suspect that this variant may be benign, at this time, the clinical significance of this variant is uncertain due to the absence of conclusive functional and genetic evidence.

Revvity Omics, Revvity
Classification: Uncertain significance. Last evaluated: 2023-02-14. Review status: criteria provided, single submitter. Criteria: ACMG Guidelines, 2015. Collection method: clinical testing. Allele origin: germline.

Department of Pathology and Laboratory Medicine, Sinai Health System
Classification: Uncertain significance for Arthrogryposis, renal dysfunction, and cholestasis 1; Keratoderma-ichthyosis-deafness syndrome, autosomal recessive; Cholestasis, progressive familial intrahepatic, 12. Last evaluated: 2022-03-15. Review status: criteria provided, single submitter. Criteria: ACMG Guidelines, 2015. Collection method: research. Allele origin: germline.